The following is an entry in ClinVar:

NM_144997.7(FLCN):c.404C>G (p.Pro135Arg)

Gene: FLCN (folliculin; minus strand). Cytogenetic location: 17p11.2.
Variant type: single nucleotide variant.
Coding change: c.404C>G on transcript NM_144997.7 (MANE Select); coding-DNA position 404, C replaced by G.
Protein change: p.Pro135Arg; replaces proline 135 with arginine.
Molecular consequence: missense variant.
Genome position (GRCh38, 1-based): chr17:17,224,136, G>C on the plus strand (C>G on the coding strand, the complement: FLCN is on the minus strand). VCF-style: chr17-17224136-G-C. GRCh37 (hg19) VCF-style: chr17-17127450-G-C.
Other names: c.458C>G, p.Pro153Arg (NM_001353229.2); c.404C>G, p.Pro135Arg (NM_001353230.2, NM_001353231.2, NM_144606.7); short protein forms P135R, P153R.
Identifiers: ClinVar variation 838785 (VCV000838785.10), dbSNP rs1490236729, ClinGen allele CA398534639.
Genomic context (GRCh38, chr17:17,224,136, plus strand): 5'-GTGTGGCTGAACACAAAGCCGTGCTGCTCATCTCCGAAGAAGATGGGGCCTTCACGGCCA[G>C]GGCAGACCTGGAGGGACACCGGCGACTCAGACAGCCCTTTCCTCGCTTAGTGACACCAAA-3'
Protein context (NP_659434.2, residues 125-145): CVRSLSCEVC[Pro135Arg]GREGPIFFGD

ClinVar aggregate classification (germline): Uncertain significance. Review status: criteria provided, multiple submitters, no conflicts (2 of 4 stars). 2 submissions from 2 submitters: Uncertain significance (2). Last evaluated 2025-10-13.

Conditions:
Hereditary cancer-predisposing syndrome. Also called: Neoplastic Syndromes, Hereditary; Hereditary neoplastic syndrome; Tumor predisposition; Hereditary Cancer Syndrome. Identifiers: Orphanet 140162, MedGen C0027672, MeSH D009386, MONDO:0015356.
Birt-Hogg-Dube syndrome. Also called: Birt Hogg Dubé syndrome. Identifiers: Orphanet 122, MedGen C0346010, MONDO:0800444.

Allele frequency attached by ClinVar (database versions not stated): TOPMed below 0.00001.
gnomAD v4.1: 13 of 1,586,462 alleles (0.00082%); highest among the groups gnomAD compares: African/African-American, 0.0013%; no homozygotes.

Submissions (2):

Labcorp Genetics (formerly Invitae), Labcorp
Classification: Uncertain significance for Birt-Hogg-Dube syndrome. Last evaluated: 2025-10-13. Review status: criteria provided, single submitter. Criteria: Invitae Variant Classification Sherloc (09022015). Collection method: clinical testing. Allele origin: germline.
Comment: This sequence change replaces proline, which is neutral and non-polar, with arginine, which is basic and polar, at codon 135 of the FLCN protein (p.Pro135Arg). This variant is not present in population databases (gnomAD no frequency). This variant has not been reported in the literature in individuals affected with FLCN-related conditions. ClinVar contains an entry for this variant (Variation ID: 838785). Invitae Evidence Modeling of protein sequence and biophysical properties (such as structural, functional, and spatial information, amino acid conservation, physicochemical variation, residue mobility, and thermodynamic stability) indicates that this missense variant is expected to disrupt FLCN protein function with a positive predictive value of 80%. In summary, the available evidence is currently insufficient to determine the role of this variant in disease. Therefore, it has been classified as a Variant of Uncertain Significance.

Ambry Genetics
Classification: Uncertain significance for Hereditary cancer-predisposing syndrome. Last evaluated: 2024-04-11. Review status: criteria provided, single submitter. Criteria: Ambry Variant Classification Scheme 2023. Collection method: clinical testing. Allele origin: germline.
Comment: The p.P135R variant (also known as c.404C>G), located in coding exon 3 of the FLCN gene, results from a C to G substitution at nucleotide position 404. The proline at codon 135 is replaced by arginine, an amino acid with dissimilar properties. This amino acid position is highly conserved in available vertebrate species. In addition, this alteration is predicted to be deleterious by in silico analysis. Since supporting evidence is limited at this time, the clinical significance of this alteration remains unclear.